The following is an entry in ClinVar:

ClinVar aggregate classification (germline): Benign/Likely benign. Review status: criteria provided, multiple submitters, no conflicts (2 of 4 stars). 15 submissions from 15 submitters: Benign (7); Likely benign (2). 6 of the submissions do not count toward it. Last evaluated 2026-09-01.

Conditions:
MYH6-related disorder. Also called: MYH6-Related Disorders; MYH6-related condition.
Cardiovascular phenotype. Identifiers: MedGen CN230736.
Cardiomyopathy (CMYO). Also called: Cardiomyopathies. Identifiers: Orphanet 167848, MedGen C0878544, MONDO:0004994, HP:0001638. Inheritance: Various modes of inheritance.
Hypertrophic cardiomyopathy 14. Identifiers: MedGen C2750467, MONDO:0013197, OMIM 613251.

Allele frequency attached by ClinVar (database versions not stated): 1000 Genomes Project 0.00140; TOPMed 0.00374; gnomAD 0.00466 and 0.00490; gnomAD exomes 0.00388; ESP Exome Variant Server 0.00423; 1000 Genomes Project 30x 0.00156; ExAC 0.00354.
gnomAD v4.1: 9,098 of 1,614,156 alleles (0.56%); highest among the groups gnomAD compares: Non-Finnish European, 0.67%; 37 homozygotes.

Submissions (15):

CeGaT Center for Human Genetics Tuebingen
Classification: Benign. Last evaluated: 2026-09-01. Review status: criteria provided, single submitter. Criteria: CeGaT Center For Human Genetics Tuebingen Variant Classification Criteria Version 2. Collection method: clinical testing. Allele origin: germline. Affected: yes. Observed: 11 variant alleles.
Comment: MYH6: BP4, BP7, BS1, BS2

Labcorp Genetics (formerly Invitae), Labcorp
Classification: Benign for Hypertrophic cardiomyopathy 14. Last evaluated: 2026-01-27. Review status: criteria provided, single submitter. Criteria: Invitae Variant Classification Sherloc (09022015). Collection method: clinical testing. Allele origin: germline.

ARUP Laboratories, Molecular Genetics and Genomics, ARUP Laboratories
Classification: Benign. Last evaluated: 2025-04-17. Review status: criteria provided, single submitter. Criteria: ARUP Molecular Germline Variant Investigation Process 2024. Collection method: clinical testing. Allele origin: germline.

Blueprint Genetics
Classification: Likely benign. Last evaluated: 2024-11-22. Review status: criteria provided, single submitter. Criteria: ACMG Guidelines, 2015. Collection method: clinical testing. Allele origin: germline.

Women's Health and Genetics/Laboratory Corporation of America, LabCorp
Classification: Benign. Last evaluated: 2017-09-05. Review status: criteria provided, single submitter. Criteria: LabCorp Variant Classification Summary - May 2015. Collection method: clinical testing. Allele origin: germline.
Comment: Variant summary: The MYH6 c.330G>A (p.Ala110Ala) variant involves the alteration of a non-conserved nucleotide causing a synonymous change and 4/5 splice prediction tools predict no significant impact on normal splicing. ESE finder predicts that this variant may alter ESE binding. However, these predictions have yet to be confirmed by functional studies. This variant was found in 1116/277156 control chromosomes at a frequency of 0.0040266, which is approximately 161 times the estimated maximal expected allele frequency of a pathogenic MYH6 variant (0.000025), suggesting this variant is likely a benign polymorphism. In addition, multiple clinical diagnostic laboratories/reputable databases classified this variant as "likely benign/benign." The variant of interest has not, to our knowledge, been reported in affected individuals via publications. Taken together, this variant is classified as benign.

GeneDx
Classification: Benign. Last evaluated: 2016-11-10. Review status: criteria provided, single submitter. Criteria: GeneDx Variant Classification (06012015). Collection method: clinical testing. Allele origin: germline. Affected: yes.
Comment: This variant is considered likely benign or benign based on one or more of the following criteria: it is a conservative change, it occurs at a poorly conserved position in the protein, it is predicted to be benign by multiple in silico algorithms, and/or has population frequency not consistent with disease.

Ambry Genetics
Classification: Likely benign for Cardiovascular phenotype. Last evaluated: 2016-06-21. Review status: criteria provided, single submitter. Criteria: Ambry Variant Classification Scheme 2023. Collection method: clinical testing. Allele origin: germline.

CHEO Genetics Diagnostic Laboratory, Children's Hospital of Eastern Ontario
Classification: Benign for Cardiomyopathy. Last evaluated: 2015-11-30. Review status: criteria provided, single submitter. Criteria: ACMG Guidelines, 2015. Collection method: clinical testing. Allele origin: germline. Study: Canadian Open Genetics Repository.

Laboratory for Molecular Medicine, Mass General Brigham Personalized Medicine
Classification: Benign. Last evaluated: 2012-03-22. Review status: criteria provided, single submitter. Criteria: LMM Criteria. Collection method: clinical testing. Allele origin: germline. Observed: 13 variant alleles.
Comment: Ala110Ala in exon 4 of MYH6: This variant is not expected to have clinical signi ficance because it does not alter an amino acid residue, is not located within t he splice consensus sequence, and has been identified in 0.5% (35/7020) of Europ ean American chromosomes from a broad population by the NHLBI Exome Sequencing P roject (dbSNP rs77679218).

PreventionGenetics, part of Exact Sciences
Classification: Benign for MYH6-related condition. Last evaluated: 2020-09-17. Review status: no assertion criteria provided. Collection method: clinical testing. Allele origin: germline. Not counted in ClinVar's aggregate classification.
Comment: This variant is classified as benign based on ACMG/AMP sequence variant interpretation guidelines (Richards et al. 2015 PMID: 25741868, with internal and published modifications).

Clinical Genetics DNA and cytogenetics Diagnostics Lab, Erasmus MC, Erasmus Medical Center
Classification: Benign. Review status: no assertion criteria provided. Collection method: clinical testing. Allele origin: germline. Affected: yes. Study: VKGL Data-share Consensus. Not counted in ClinVar's aggregate classification.

Clinical Genetics, Academic Medical Center
Classification: Benign. Review status: no assertion criteria provided. Collection method: clinical testing. Allele origin: germline. Affected: yes. Study: VKGL Data-share Consensus. Not counted in ClinVar's aggregate classification.

Diagnostic Laboratory, Department of Genetics, University Medical Center Groningen
Classification: Likely benign. Review status: no assertion criteria provided. Collection method: clinical testing. Allele origin: germline. Affected: yes. Study: VKGL Data-share Consensus. Not counted in ClinVar's aggregate classification.

Genome Diagnostics Laboratory, University Medical Center Utrecht
Classification: Benign. Review status: no assertion criteria provided. Collection method: clinical testing. Allele origin: germline. Affected: yes. Study: VKGL Data-share Consensus. Not counted in ClinVar's aggregate classification.

Joint Genome Diagnostic Labs from Nijmegen and Maastricht, Radboudumc and MUMC+
Classification: Benign. Review status: no assertion criteria provided. Collection method: clinical testing. Allele origin: germline. Affected: yes. Study: VKGL Data-share Consensus. Not counted in ClinVar's aggregate classification.

NM_002471.4(MYH6):c.330G>A (p.Ala110=)

Genes: MYH6 (myosin heavy chain 6; minus strand), LOC114827851 (VISTA enhancer hs2155; plus strand). Cytogenetic location: 14q11.2.
Variant type: single nucleotide variant.
Coding change: c.330G>A on transcript NM_002471.4 (MANE Select); coding-DNA position 330, G replaced by A.
Protein change: p.Ala110=; no amino-acid change (alanine 110 retained).
Molecular consequence: synonymous variant.
Genome position (GRCh38, 1-based): chr14:23,405,642, C>T on the plus strand (G>A on the coding strand, the complement: MYH6 is on the minus strand). VCF-style: chr14-23405642-C-T. GRCh37 (hg19) VCF-style: chr14-23874851-C-T.
Identifiers: ClinVar variation 44481 (VCV000044481.66), dbSNP rs77679218, ClinGen allele CA134325.
Genomic context (GRCh38, chr14:23,405,642, plus strand): 5'-TCCACGCAGCACAGGAAGCCTCTGCAGTGTGCAGGAGCCACTCACATATATCATCCAGGC[C>T]GCGTAGCGCTCCTTGAGGTTGAAAAGCACCGCGGGCTCGTGCAGGAAGGTCAGCATGGCC-3'
Protein context (NP_002462.2, residues 100-120): AVLFNLKERY[Ala110=]AWMIYTYSGL